The following is an entry in ClinVar:

ClinVar aggregate classification (germline): Uncertain significance (1 of 4 stars; one submission).

Allele frequency attached by ClinVar (database versions not stated): ExAC 0.00001; TOPMed 0.00001.

Submission:

Labcorp Genetics (formerly Invitae), Labcorp
Classification: Uncertain significance. Last evaluated: 2023-07-25. Review status: criteria provided, single submitter. Criteria: Invitae Variant Classification Sherloc (09022015). Collection method: clinical testing. Allele origin: germline.
Comment: In summary, the available evidence is currently insufficient to determine the role of this variant in disease. Therefore, it has been classified as a Variant of Uncertain Significance. Advanced modeling of protein sequence and biophysical properties (such as structural, functional, and spatial information, amino acid conservation, physicochemical variation, residue mobility, and thermodynamic stability) performed at Invitae indicates that this missense variant is not expected to disrupt STAG2 protein function. This variant has not been reported in the literature in individuals affected with STAG2-related conditions. This variant is present in population databases (rs780893951, gnomAD 0.001%), including at least one homozygous and/or hemizygous individual. This sequence change replaces methionine, which is neutral and non-polar, with isoleucine, which is neutral and non-polar, at codon 809 of the STAG2 protein (p.Met809Ile).

NM_001042750.2(STAG2):c.2427G>A (p.Met809Ile)

Gene: STAG2 (STAG2 cohesin complex component; plus strand). Cytogenetic location: Xq25.
Variant type: single nucleotide variant.
Coding change: c.2427G>A on transcript NM_001042750.2 (MANE Select); coding-DNA position 2427, G replaced by A.
Protein change: p.Met809Ile; replaces methionine 809 with isoleucine.
Molecular consequence: missense variant.
Genome position (GRCh38, 1-based): chrX:124,071,217, G>A. VCF-style: chrX-124071217-G-A. GRCh37 (hg19) VCF-style: chrX-123205067-G-A.
Other names: c.2427G>A, p.Met809Ile (NM_001042749.2, NM_001042751.2, NM_001282418.2 and 13 more transcripts); short protein forms M809I.
Identifiers: ClinVar variation 2994597 (VCV002994597.3), dbSNP rs780893951, ClinGen allele CA10509010.